The following is an entry in ClinVar:

ClinVar aggregate classification (germline): Uncertain significance. Review status: criteria provided, multiple submitters, no conflicts (2 of 4 stars). 2 submissions from 2 submitters: Uncertain significance (2). Last evaluated 2025-03-22.

Conditions:
Glycine encephalopathy. Also called: Nonketotic hyperglycinemia; Non-ketotic hyperglycinemia. Identifiers: Orphanet 407, MedGen C0751748, MONDO:0011612, HP:0008288.

Submissions (2):

Labcorp Genetics (formerly Invitae), Labcorp
Classification: Uncertain significance for Glycine encephalopathy. Last evaluated: 2025-03-22. Review status: criteria provided, single submitter. Criteria: Invitae Variant Classification Sherloc (09022015). Collection method: clinical testing. Allele origin: germline.
Comment: This sequence change replaces alanine, which is neutral and non-polar, with threonine, which is neutral and polar, at codon 425 of the GLDC protein (p.Ala425Thr). This variant is not present in population databases (gnomAD no frequency). This variant has not been reported in the literature in individuals affected with GLDC-related conditions. ClinVar contains an entry for this variant (Variation ID: 3366263). Invitae Evidence Modeling of protein sequence and biophysical properties (such as structural, functional, and spatial information, amino acid conservation, physicochemical variation, residue mobility, and thermodynamic stability) has been performed for this missense variant. However, the output from this modeling did not meet the statistical confidence thresholds required to predict the impact of this variant on GLDC protein function. In summary, the available evidence is currently insufficient to determine the role of this variant in disease. Therefore, it has been classified as a Variant of Uncertain Significance.

GeneDx
Classification: Uncertain significance. Last evaluated: 2023-10-23. Review status: criteria provided, single submitter. Criteria: GeneDx Variant Classification Process June 2021. Collection method: clinical testing. Allele origin: germline. Affected: yes.
Comment: Not observed at significant frequency in large population cohorts (gnomAD); In silico analysis supports that this missense variant does not alter protein structure/function; Has not been previously published as pathogenic or benign to our knowledge

NM_000170.3(GLDC):c.1273G>A (p.Ala425Thr)

Gene: GLDC (glycine decarboxylase; minus strand). Cytogenetic location: 9p24.1.
Variant type: single nucleotide variant.
Coding change: c.1273G>A on transcript NM_000170.3 (MANE Select); coding-DNA position 1273, G replaced by A.
Protein change: p.Ala425Thr; replaces alanine 425 with threonine.
Molecular consequence: missense variant.
Genome position (GRCh38, 1-based): chr9:6,592,979, C>T on the plus strand (G>A on the coding strand, the complement: GLDC is on the minus strand). VCF-style: chr9-6592979-C-T. GRCh37 (hg19) VCF-style: chr9-6592979-C-T.
Other names: short protein forms A425T.
Identifiers: ClinVar variation 3366263 (VCV003366263.2).